The following is an entry in ClinVar:

ClinVar aggregate classification (germline): Uncertain significance (1 of 4 stars; one submission).

Conditions:
Primary ciliary dyskinesia. Also called: Ciliary dyskinesia. Identifiers: Orphanet 244, MedGen C0008780, MONDO:0016575, HP:0012265.

Allele frequency attached by ClinVar (database versions not stated): gnomAD exomes below 0.00001; ExAC 0.00002.
gnomAD v4.1: 1 of 1,602,140 alleles (0.000062%); highest among the groups gnomAD compares: Non-Finnish European, 0.000085%; no homozygotes.

Submission:

Labcorp Genetics (formerly Invitae), Labcorp
Classification: Uncertain significance for Primary ciliary dyskinesia. Last evaluated: 2017-08-13. Review status: criteria provided, single submitter. Criteria: Invitae Variant Classification Sherloc (09022015). Collection method: clinical testing. Allele origin: germline.
Comment: This variant has not been reported in the literature in individuals with DNAAF2-related disease. In summary, the available evidence is currently insufficient to determine the role of this variant in disease. Therefore, it has been classified as a Variant of Uncertain Significance. Algorithms developed to predict the effect of missense changes on protein structure and function do not agree on the potential impact of this missense change (SIFT: "Tolerated"; PolyPhen-2: "Possibly Damaging"; Align-GVGD: "Class C0"). This variant is present in population databases (rs774079854, ExAC 0.005%). This sequence change replaces glycine with aspartic acid at codon 329 of the DNAAF2 protein (p.Gly329Asp). The glycine residue is weakly conserved and there is a moderate physicochemical difference between glycine and aspartic acid.

NM_018139.3(DNAAF2):c.986G>A (p.Gly329Asp)

Gene: DNAAF2 (dynein axonemal assembly factor 2; minus strand). Cytogenetic location: 14q21.3.
Variant type: single nucleotide variant.
Coding change: c.986G>A on transcript NM_018139.3 (MANE Select); coding-DNA position 986, G replaced by A.
Protein change: p.Gly329Asp; replaces glycine 329 with aspartic acid.
Molecular consequence: missense variant.
Genome position (GRCh38, 1-based): chr14:49,634,164, C>T on the plus strand (G>A on the coding strand, the complement: DNAAF2 is on the minus strand). VCF-style: chr14-49634164-C-T. GRCh37 (hg19) VCF-style: chr14-50100882-C-T.
Other names: c.986G>A, p.Gly329Asp (NM_001083908.2); short protein forms G329D.
Identifiers: ClinVar variation 525323 (VCV000525323.9), dbSNP rs774079854, ClinGen allele CA7172978.